The following is an entry in ClinVar:

NM_000090.4(COL3A1):c.2053C>T (p.Pro685Ser)

Gene: COL3A1 (collagen type III alpha 1 chain; plus strand). Cytogenetic location: 2q32.2.
Variant type: single nucleotide variant.
Coding change: c.2053C>T on transcript NM_000090.4 (MANE Select); coding-DNA position 2053, C replaced by T.
Protein change: p.Pro685Ser; replaces proline 685 with serine.
Molecular consequence: missense variant.
Genome position (GRCh38, 1-based): chr2:188,999,315, C>T. VCF-style: chr2-188999315-C-T. GRCh37 (hg19) VCF-style: chr2-189864041-C-T.
Other names: short protein forms P685S.
Identifiers: ClinVar variation 2732075 (VCV002732075.3), dbSNP rs2469143326, ClinGen allele CA349839962.

ClinVar aggregate classification (germline): Uncertain significance (1 of 4 stars; one submission).

Conditions:
Ehlers-Danlos syndrome, type 4 (EDSVASC). Also called: Ehlers-Danlos Syndrome Type IV; Ehlers-Danlos syndrome vascular type; Ehlers Danlos syndrome, ecchymotic type; Ehlers Danlos syndrome, arterial type; Ehlers Danlos syndrome, Sack-Barabas type. Identifiers: Orphanet 286, MedGen C0268338, MONDO:0017314, OMIM 130050.

gnomAD v4.1: 3 of 1,588,046 alleles (0.00019%); highest among the groups gnomAD compares: Non-Finnish European, 0.00026%; no homozygotes.

Submission:

Labcorp Genetics (formerly Invitae), Labcorp
Classification: Uncertain significance for Ehlers-Danlos syndrome, type 4. Last evaluated: 2025-07-08. Review status: criteria provided, single submitter. Criteria: Invitae Variant Classification Sherloc (09022015). Collection method: clinical testing. Allele origin: germline.
Comment: This sequence change replaces proline, which is neutral and non-polar, with serine, which is neutral and polar, at codon 685 of the COL3A1 protein (p.Pro685Ser). This variant is not present in population databases (gnomAD no frequency). This variant has not been reported in the literature in individuals affected with COL3A1-related conditions. ClinVar contains an entry for this variant (Variation ID: 2732075). Invitae Evidence Modeling of protein sequence and biophysical properties (such as structural, functional, and spatial information, amino acid conservation, physicochemical variation, residue mobility, and thermodynamic stability) indicates that this missense variant is not expected to disrupt COL3A1 protein function with a negative predictive value of 95%. In summary, the available evidence is currently insufficient to determine the role of this variant in disease. Therefore, it has been classified as a Variant of Uncertain Significance.